The following is an entry in ClinVar:

NM_006648.4(WNK2):c.2978C>T (p.Pro993Leu)

Gene: WNK2 (WNK lysine deficient protein kinase 2; plus strand). Cytogenetic location: 9q22.31.
Variant type: single nucleotide variant.
Coding change: c.2978C>T on transcript NM_006648.4 (MANE Select); coding-DNA position 2978, C replaced by T.
Protein change: p.Pro993Leu; replaces proline 993 with leucine.
Molecular consequence: missense variant.
Genome position (GRCh38, 1-based): chr9:93,259,526, C>T. VCF-style: chr9-93259526-C-T. GRCh37 (hg19) VCF-style: chr9-96021808-C-T.
Other names: c.2978C>T, p.Pro993Leu (NM_001282394.3); short protein forms P993L.
Identifiers: ClinVar variation 4201599 (VCV004201599.1).

ClinVar aggregate classification (germline): Uncertain significance (1 of 4 stars; one submission).

gnomAD v4.1: 1 of 1,588,146 alleles (0.000063%); no homozygotes.

Submission:

Ambry Genetics
Classification: Uncertain significance. Last evaluated: 2025-07-07. Review status: criteria provided, single submitter. Criteria: Ambry Variant Classification Scheme 2023. Collection method: clinical testing. Allele origin: germline.
Comment: The p.P993L variant (also known as c.2978C>T), located in coding exon 11 of the WNK2 gene, results from a C to T substitution at nucleotide position 2978. The proline at codon 993 is replaced by leucine, an amino acid with similar properties. This amino acid position is conserved. In addition, this alteration is predicted to be tolerated by in silico analysis. Based on the available evidence, the clinical significance of this variant remains unclear.